The following is an entry in ClinVar:

ClinVar aggregate classification (germline): Uncertain significance. Review status: criteria provided, multiple submitters, no conflicts (2 of 4 stars). 2 submissions from 2 submitters: Uncertain significance (2). Last evaluated 2023-06-23.

Conditions:
Progressive familial heart block type IB (PFHB1B). Identifiers: Orphanet 871, MedGen C1970298, MONDO:0011474, OMIM 604559.

Submissions (2):

Labcorp Genetics (formerly Invitae), Labcorp
Classification: Uncertain significance for Progressive familial heart block type IB. Last evaluated: 2023-06-23. Review status: criteria provided, single submitter. Criteria: Invitae Variant Classification Sherloc (09022015). Collection method: clinical testing. Allele origin: germline.
Comment: This sequence change replaces serine, which is neutral and polar, with leucine, which is neutral and non-polar, at codon 798 of the TRPM4 protein (p.Ser798Leu). This variant is not present in population databases (gnomAD no frequency). This variant has not been reported in the literature in individuals affected with TRPM4-related conditions. ClinVar contains an entry for this variant (Variation ID: 1321064). An algorithm developed to predict the effect of missense changes on protein structure and function (PolyPhen-2) suggests that this variant is likely to be tolerated. In summary, the available evidence is currently insufficient to determine the role of this variant in disease. Therefore, it has been classified as a Variant of Uncertain Significance.

GeneDx
Classification: Uncertain significance. Last evaluated: 2021-04-16. Review status: criteria provided, single submitter. Criteria: GeneDx Variant Classification Process June 2021. Collection method: clinical testing. Allele origin: germline. Affected: yes.
Comment: Has not been previously published as pathogenic or benign to our knowledge; Not observed in large population cohorts (Lek et al., 2016); In silico analysis supports that this missense variant does not alter protein structure/function

NM_017636.4(TRPM4):c.2393C>T (p.Ser798Leu)

Gene: TRPM4 (transient receptor potential cation channel subfamily M member 4; plus strand). Cytogenetic location: 19q13.33.
Variant type: single nucleotide variant.
Coding change: c.2393C>T on transcript NM_017636.4 (MANE Select); coding-DNA position 2393, C replaced by T.
Protein change: p.Ser798Leu; replaces serine 798 with leucine.
Molecular consequence: missense variant. On other transcripts: intron variant (1).
Genome position (GRCh38, 1-based): chr19:49,196,622, C>T. VCF-style: chr19-49196622-C-T. GRCh37 (hg19) VCF-style: chr19-49699879-C-T.
Other names: c.2048C>T, p.Ser683Leu (NM_001321281.2); c.785C>T, p.Ser262Leu (NM_001321282.2); c.1871C>T, p.Ser624Leu (NM_001321283.2); c.1331C>T, p.Ser444Leu (NM_001321285.2); c.2211-3678C>T (NM_001195227.2); short protein forms S262L, S444L, S624L, S683L, S798L.
Identifiers: ClinVar variation 1321064 (VCV001321064.5), dbSNP rs1044779971, ClinGen allele CA406809119.